The following is an entry in ClinVar:

NM_000256.3(MYBPC3):c.1755del (p.Asp587fs)

Gene: MYBPC3 (myosin binding protein C3; minus strand). Cytogenetic location: 11p11.2.
Variant type: Deletion.
Coding change: c.1755del on transcript NM_000256.3 (MANE Select); coding-DNA position 1755, one base deleted (G; older notation c.1755delG).
Protein change: p.Asp587fs; shifts the reading frame from aspartic acid 587.
Molecular consequence: frameshift variant.
Genome position (GRCh38, 1-based): chr11:47,342,026, C deleted on the plus strand (G on the coding strand, the reverse complement: MYBPC3 is on the minus strand). VCF-style (leftmost placement, unchanged base first): chr11-47342025-GC-G. GRCh37 (hg19) VCF-style: chr11-47363576-GC-G.
Other names: c.1755delG (NM_000256.3); short protein forms D587fs.
Identifiers: ClinVar variation 655991 (VCV000655991.6), dbSNP rs1595845888, ClinGen allele CA915948155.

ClinVar aggregate classification (germline): Pathogenic (1 of 4 stars; one submission).

Conditions:
Hypertrophic cardiomyopathy. Also called: HYPERTROPHIC MYOCARDIOPATHY. Identifiers: Orphanet 217569, MedGen C0007194, MeSH D002312, MONDO:0005045, HP:0001639.

Submission:

Labcorp Genetics (formerly Invitae), Labcorp
Classification: Pathogenic for Hypertrophic cardiomyopathy. Last evaluated: 2021-08-27. Review status: criteria provided, single submitter. Criteria: Invitae Variant Classification Sherloc (09022015). Collection method: clinical testing. Allele origin: germline.
Comment: For these reasons, this variant has been classified as Pathogenic. Loss-of-function variants in MYBPC3 are known to be pathogenic (PMID: 19574547). This variant has not been reported in the literature in individuals with MYBPC3-related disease. This variant is not present in population databases (ExAC no frequency). This sequence change creates a premature translational stop signal (p.Asp587Thrfs*4) in the MYBPC3 gene. It is expected to result in an absent or disrupted protein product.

Literature cited by the submitters: PubMed 19574547.